The following is an entry in ClinVar:

NM_016653.3(MAP3K20):c.1214A>G (p.Glu405Gly)

Genes: MAP3K20 (mitogen-activated protein kinase kinase kinase 20; plus strand), MAP3K20-AS1 (MAP3K20 antisense RNA 1; minus strand). Cytogenetic location: 2q31.1.
Variant type: single nucleotide variant.
Coding change: c.1214A>G on transcript NM_016653.3 (MANE Select); coding-DNA position 1214, A replaced by G.
Protein change: p.Glu405Gly; replaces glutamic acid 405 with glycine.
Molecular consequence: missense variant.
Genome position (GRCh38, 1-based): chr2:173,238,383, A>G. VCF-style: chr2-173238383-A-G. GRCh37 (hg19) VCF-style: chr2-174103111-A-G.
Other names: c.1214A>G (NM_016653.2); short protein forms E405G.
Identifiers: ClinVar variation 2174881 (VCV002174881.5), dbSNP rs1449108537, ClinGen allele CA349315799.

ClinVar aggregate classification (germline): Uncertain significance. Review status: criteria provided, multiple submitters, no conflicts (2 of 4 stars). 3 submissions from 3 submitters: Uncertain significance (3). Last evaluated 2022-06-30.

Conditions:
Inborn genetic diseases. Identifiers: MedGen C0950123, MeSH D030342.

Allele frequency attached by ClinVar (database versions not stated): gnomAD 0.00001; gnomAD exomes 0.00001; TOPMed 0.00001.
gnomAD v4.1: 14 of 1,612,556 alleles (0.00087%); highest among the groups gnomAD compares: Non-Finnish European, 0.0012%; no homozygotes.

Submissions (3):

Labcorp Genetics (formerly Invitae), Labcorp
Classification: Uncertain significance. Last evaluated: 2022-06-30. Review status: criteria provided, single submitter. Criteria: Invitae Variant Classification Sherloc (09022015). Collection method: clinical testing. Allele origin: germline.
Comment: In summary, the available evidence is currently insufficient to determine the role of this variant in disease. Therefore, it has been classified as a Variant of Uncertain Significance. Experimental studies and prediction algorithms are not available or were not evaluated, and the functional significance of this variant is currently unknown. This variant has not been reported in the literature in individuals affected with MAP3K20-related conditions. This variant is not present in population databases (gnomAD no frequency). This sequence change replaces glutamic acid, which is acidic and polar, with glycine, which is neutral and non-polar, at codon 405 of the MAP3K20 protein (p.Glu405Gly).

Ambry Genetics
Classification: Uncertain significance for Inborn genetic diseases. Last evaluated: 2021-11-08. Review status: criteria provided, single submitter. Criteria: Ambry Variant Classification Scheme 2023. Collection method: clinical testing. Allele origin: germline.

Blueprint Genetics
Classification: Uncertain significance. Last evaluated: 2020-02-07. Review status: criteria provided, single submitter. Criteria: ACMG Guidelines, 2015. Collection method: clinical testing. Allele origin: germline.